The following is an entry in ClinVar:

NM_000038.6(APC):c.1743+1623C>A

Gene: APC (APC regulator of WNT signaling pathway; plus strand). Cytogenetic location: 5q22.2.
Variant type: single nucleotide variant.
Coding change: c.1743+1623C>A on transcript NM_000038.6 (MANE Select); 1623 bases into the intron after coding-DNA position 1743, C replaced by A.
Molecular consequence: intron variant.
Genome position (GRCh38, 1-based): chr5:112,830,595, C>A. VCF-style: chr5-112830595-C-A. GRCh37 (hg19) VCF-style: chr5-112166292-C-A.
Other names: c.1743+1623C>A (NM_001354895.2, NM_001127510.3); c.1773+1623C>A (NM_001354897.2); c.1470+1623C>A (NM_001354902.2); c.1689+1623C>A (NM_001127511.3); c.1668+1623C>A (NM_001354898.2); c.1365+1623C>A (NM_001354904.2); c.894+1623C>A (NM_001354906.2); c.1797+1623C>A (NM_001354896.2); and 5 more.
Identifiers: ClinVar variation 83176 (VCV000083176.2), dbSNP rs75997944, ClinGen allele CA005537.

ClinVar aggregate classification (germline): other (0 of 4 stars; one submission).

Conditions:
Familial colorectal cancer. Identifiers: MedGen CN280943, MONDO:0023113. Disease mechanism: loss of function.

Submission:

Systems Biology Platform Zhejiang California International NanoSystems Institute
Classification: other for Familial colorectal cancer. Review status: no assertion criteria provided. Collection method: not provided. Allele origin: unknown.
ClinVar note: Converted during submission from cancer to other.